The following is an entry in ClinVar:

ClinVar aggregate classification (germline): Uncertain significance. Review status: criteria provided, multiple submitters, no conflicts (2 of 4 stars). 2 submissions from 2 submitters: Uncertain significance (2). Last evaluated 2025-06-18.

Conditions:
Cardiovascular phenotype. Identifiers: MedGen CN230736.
Atrioventricular septal defect 4 (AVSD4). Identifiers: MedGen C3280781, MONDO:0013747, OMIM 614430.

gnomAD v4.1: 1 of 1,613,982 alleles (0.000062%); highest among the groups gnomAD compares: Non-Finnish European, 0.000085%; no homozygotes.

Submissions (2):

Labcorp Genetics (formerly Invitae), Labcorp
Classification: Uncertain significance for Atrioventricular septal defect 4. Last evaluated: 2025-06-18. Review status: criteria provided, single submitter. Criteria: Invitae Variant Classification Sherloc (09022015). Collection method: clinical testing. Allele origin: germline.
Comment: This sequence change replaces aspartic acid, which is acidic and polar, with glycine, which is neutral and non-polar, at codon 425 of the GATA4 protein (p.Asp425Gly). This variant is not present in population databases (gnomAD no frequency). This variant has not been reported in the literature in individuals affected with GATA4-related conditions. ClinVar contains an entry for this variant (Variation ID: 3853043). Invitae Evidence Modeling of protein sequence and biophysical properties (such as structural, functional, and spatial information, amino acid conservation, physicochemical variation, residue mobility, and thermodynamic stability) has been performed for this missense variant. However, the output from this modeling did not meet the statistical confidence thresholds required to predict the impact of this variant on GATA4 protein function. In summary, the available evidence is currently insufficient to determine the role of this variant in disease. Therefore, it has been classified as a Variant of Uncertain Significance.

Ambry Genetics
Classification: Uncertain significance for Cardiovascular phenotype. Last evaluated: 2025-01-19. Review status: criteria provided, single submitter. Criteria: Ambry Variant Classification Scheme 2023. Collection method: clinical testing. Allele origin: germline.
Comment: The p.D425G variant (also known as c.1274A>G), located in coding exon 6 of the GATA4 gene, results from an A to G substitution at nucleotide position 1274. The aspartic acid at codon 425 is replaced by glycine, an amino acid with similar properties. This amino acid position is conserved. In addition, this alteration is predicted to be deleterious by in silico analysis. Based on the available evidence, the clinical significance of this variant remains unclear.

NM_001308093.3(GATA4):c.1277A>G (p.Asp426Gly)

Gene: GATA4 (GATA binding protein 4). Cytogenetic location: 8p23.1.
Variant type: single nucleotide variant.
Coding change: c.1277A>G on transcript NM_001308093.3 (MANE Select); coding-DNA position 1277, A replaced by G.
Protein change: p.Asp426Gly; replaces aspartic acid 426 with glycine.
Molecular consequence: missense variant.
Genome position (GRCh38, 1-based): chr8:11,758,420, A>G. VCF-style: chr8-11758420-A-G. GRCh37 (hg19) VCF-style: chr8-11615929-A-G.
Other names: c.656A>G, p.Asp219Gly (NM_001308094.2, NM_001374273.1); c.530A>G, p.Asp177Gly (NM_001374274.1); c.1274A>G, p.Asp425Gly (NM_002052.5); short protein forms D177G, D219G, D425G, D426G.
Identifiers: ClinVar variation 3853043 (VCV003853043.2).